The following is an entry in ClinVar:

ClinVar aggregate classification (germline): Uncertain significance. Review status: criteria provided, multiple submitters, no conflicts (2 of 4 stars). 2 submissions from 2 submitters: Uncertain significance (2). Last evaluated 2025-09-17.

Conditions:
Colorectal cancer, hereditary nonpolyposis, type 7. Identifiers: Orphanet 144, MedGen C1858380, MONDO:0013725, OMIM 614385.

Allele frequency attached by ClinVar (database versions not stated): gnomAD exomes below 0.00001; TOPMed 0.00001.
gnomAD v4.1: 1 of 1,613,456 alleles (0.000062%); highest among the groups gnomAD compares: Admixed American, 0.0017%; no homozygotes.

Submissions (2):

Ambry Genetics
Classification: Uncertain significance. Last evaluated: 2025-09-17. Review status: criteria provided, single submitter. Criteria: Ambry Variant Classification Scheme 2023. Collection method: clinical testing. Allele origin: germline.
Comment: The p.N594S variant (also known as c.1781A>G), located in coding exon 1 of the MLH3 gene, results from an A to G substitution at nucleotide position 1781. The asparagine at codon 594 is replaced by serine, an amino acid with highly similar properties. This amino acid position is conserved. In addition, this alteration is predicted to be tolerated by in silico analysis. Since supporting evidence is limited at this time, the clinical significance of this alteration remains unclear.

Labcorp Genetics (formerly Invitae), Labcorp
Classification: Uncertain significance for Colorectal cancer, hereditary nonpolyposis, type 7. Last evaluated: 2022-10-27. Review status: criteria provided, single submitter. Criteria: Invitae Variant Classification Sherloc (09022015). Collection method: clinical testing. Allele origin: germline.
Comment: This variant has not been reported in the literature in individuals affected with MLH3-related conditions. In summary, the available evidence is currently insufficient to determine the role of this variant in disease. Therefore, it has been classified as a Variant of Uncertain Significance. Algorithms developed to predict the effect of missense changes on protein structure and function output the following: SIFT: "Tolerated"; PolyPhen-2: "Benign"; Align-GVGD: "Class C0". The serine amino acid residue is found in multiple mammalian species, which suggests that this missense change does not adversely affect protein function. ClinVar contains an entry for this variant (Variation ID: 940994). This variant is present in population databases (no rsID available, gnomAD 0.003%). This sequence change replaces asparagine, which is neutral and polar, with serine, which is neutral and polar, at codon 594 of the MLH3 protein (p.Asn594Ser).

NM_001040108.2(MLH3):c.1781A>G (p.Asn594Ser)

Gene: MLH3 (mutL homolog 3; minus strand). Cytogenetic location: 14q24.3.
Variant type: single nucleotide variant.
Coding change: c.1781A>G on transcript NM_001040108.2 (MANE Select); coding-DNA position 1781, A replaced by G.
Protein change: p.Asn594Ser; replaces asparagine 594 with serine.
Molecular consequence: missense variant.
Genome position (GRCh38, 1-based): chr14:75,047,875, T>C on the plus strand (A>G on the coding strand, the complement: MLH3 is on the minus strand). VCF-style: chr14-75047875-T-C. GRCh37 (hg19) VCF-style: chr14-75514578-T-C.
Other names: c.1781A>G, p.Asn594Ser (NM_014381.3); short protein forms N594S.
Identifiers: ClinVar variation 940994 (VCV000940994.13), dbSNP rs1183390548, ClinGen allele CA390444322.